The following is an entry in ClinVar:

NM_001382273.1(TNK2):c.1759G>A (p.Asp587Asn)

Gene: TNK2 (tyrosine kinase non receptor 2; minus strand). Cytogenetic location: 3q29.
Variant type: single nucleotide variant.
Coding change: c.1759G>A on transcript NM_001382273.1 (MANE Select); coding-DNA position 1759, G replaced by A.
Protein change: p.Asp587Asn; replaces aspartic acid 587 with asparagine.
Molecular consequence: missense variant. On other transcripts: non-coding transcript variant (15).
Genome position (GRCh38, 1-based): chr3:195,868,539, C>T on the plus strand (G>A on the coding strand, the complement: TNK2 is on the minus strand). VCF-style: chr3-195868539-C-T. GRCh37 (hg19) VCF-style: chr3-195595410-C-T.
Other names: c.1948G>A (NM_001010938.1); c.1831G>A, p.Asp611Asn (NM_001010938.2, NM_001382272.1); c.1810G>A, p.Asp604Asn (NM_001308046.2, NM_001382271.1); c.1759G>A, p.Asp587Asn (NM_001382274.1, NM_001387716.1, NM_001387717.1 and 1 more transcripts); c.1855G>A, p.Asp619Asn (NM_001382275.1, NM_001387707.1); c.1714G>A, p.Asp572Asn (NM_001386164.1, NM_001387709.1, NM_001387710.1 and 8 more transcripts); c.1786G>A, p.Asp596Asn (NM_001387708.1, NM_001387715.1); short protein forms D572N, D587N, D604N, D619N, D596N, D611N.
Identifiers: ClinVar variation 2142617 (VCV002142617.5), dbSNP rs781714123, ClinGen allele CA2776205.

ClinVar aggregate classification (germline): Uncertain significance. Review status: criteria provided, multiple submitters, no conflicts (2 of 4 stars). 2 submissions from 2 submitters: Uncertain significance (2). Last evaluated 2025-05-18.

Allele frequency attached by ClinVar (database versions not stated): gnomAD 0.00007; 1000 Genomes Project 30x 0.00016; ExAC 0.00057.
gnomAD v4.1: 150 of 1,566,910 alleles (0.0096%); highest among the groups gnomAD compares: South Asian, 0.12%; 2 homozygotes.

Submissions (2):

Ambry Genetics
Classification: Uncertain significance. Last evaluated: 2025-05-18. Review status: criteria provided, single submitter. Criteria: Ambry Variant Classification Scheme 2023. Collection method: clinical testing. Allele origin: germline.

Labcorp Genetics (formerly Invitae), Labcorp
Classification: Uncertain significance. Last evaluated: 2022-10-03. Review status: criteria provided, single submitter. Criteria: Invitae Variant Classification Sherloc (09022015). Collection method: clinical testing. Allele origin: germline.
Comment: In summary, the available evidence is currently insufficient to determine the role of this variant in disease. Therefore, it has been classified as a Variant of Uncertain Significance. Algorithms developed to predict the effect of missense changes on protein structure and function are either unavailable or do not agree on the potential impact of this missense change (SIFT: "Tolerated"; PolyPhen-2: "Probably Damaging"; Align-GVGD: "Class C0"). This variant has not been reported in the literature in individuals affected with TNK2-related conditions. This variant is present in population databases (rs781714123, gnomAD 0.1%), and has an allele count higher than expected for a pathogenic variant. This sequence change replaces aspartic acid, which is acidic and polar, with asparagine, which is neutral and polar, at codon 650 of the TNK2 protein (p.Asp650Asn).